The following is an entry in ClinVar:

ClinVar aggregate classification (germline): Uncertain significance (1 of 4 stars; one submission).

Conditions:
Aortic aneurysm, familial thoracic 4 (AAT4). Also called: AORTIC ANEURYSM/AORTIC DISSECTION AND PATENT DUCTUS ARTERIOSUS. Identifiers: MedGen C1851504, MONDO:0007568, OMIM 132900.

Allele frequency attached by ClinVar (database versions not stated): gnomAD exomes below 0.00001.
gnomAD v4.1: 2 of 1,614,264 alleles (0.00012%); highest among the groups gnomAD compares: Non-Finnish European, 0.00017%; no homozygotes.

Submission:

Labcorp Genetics (formerly Invitae), Labcorp
Classification: Uncertain significance for Aortic aneurysm, familial thoracic 4. Last evaluated: 2019-05-17. Review status: criteria provided, single submitter. Criteria: Invitae Variant Classification Sherloc (09022015). Collection method: clinical testing. Allele origin: germline.
Comment: This sequence change replaces glutamic acid with lysine at codon 1217 of the MYH11 protein (p.Glu1217Lys). The glutamic acid residue is highly conserved and there is a small physicochemical difference between glutamic acid and lysine. This variant is not present in population databases (ExAC no frequency). This variant has not been reported in the literature in individuals with MYH11-related conditions. Algorithms developed to predict the effect of missense changes on protein structure and function are either unavailable or do not agree on the potential impact of this missense change (SIFT: "Deleterious"; PolyPhen-2: "Possibly Damaging"; Align-GVGD: "Class C15"). In summary, the available evidence is currently insufficient to determine the role of this variant in disease. Therefore, it has been classified as a Variant of Uncertain Significance.

NM_002474.3(MYH11):c.3628G>A (p.Glu1210Lys)

Gene: MYH11 (myosin heavy chain 11; minus strand). Cytogenetic location: 16p13.11.
Variant type: single nucleotide variant.
Coding change: c.3628G>A on transcript NM_002474.3 (MANE Select); coding-DNA position 3628, G replaced by A.
Protein change: p.Glu1210Lys; replaces glutamic acid 1210 with lysine.
Molecular consequence: missense variant.
Genome position (GRCh38, 1-based): chr16:15,732,587, C>T on the plus strand (G>A on the coding strand, the complement: MYH11 is on the minus strand). VCF-style: chr16-15732587-C-T. GRCh37 (hg19) VCF-style: chr16-15826444-C-T.
Other names: c.3649G>A, p.Glu1217Lys (NM_001040113.2, NM_001040114.2); c.3628G>A, p.Glu1210Lys (NM_022844.3); short protein forms E1210K, E1217K.
Identifiers: ClinVar variation 949608 (VCV000949608.9), dbSNP rs2040998700, ClinGen allele CA394861022.